The following is an entry in ClinVar:

ClinVar aggregate classification (germline): Uncertain significance. Review status: criteria provided, multiple submitters, no conflicts (2 of 4 stars). 2 submissions from 2 submitters: Uncertain significance (2). Last evaluated 2025-12-02.

Conditions:
Schaaf-Yang syndrome (SHFYNG). Also called: Arthrogryposis, distal, with hypopituitarism, intellectual disability, and facial anomalies; MAGEL2-related Prader-Willi-like syndrome. Identifiers: Orphanet 398069, MedGen C5575066, MONDO:0014243, OMIM 615547.

Allele frequency attached by ClinVar (database versions not stated): gnomAD exomes below 0.00001; TOPMed 0.00001.
gnomAD v4.1: 2 of 1,429,114 alleles (0.00014%); highest among the groups gnomAD compares: Non-Finnish European, 0.00018%; no homozygotes.

Submissions (2):

Labcorp Genetics (formerly Invitae), Labcorp
Classification: Uncertain significance. Last evaluated: 2025-12-02. Review status: criteria provided, single submitter. Criteria: Invitae Variant Classification Sherloc (09022015). Collection method: clinical testing. Allele origin: germline.
Comment: This sequence change replaces glycine, which is neutral and non-polar, with serine, which is neutral and polar, at codon 426 of the MAGEL2 protein (p.Gly426Ser). This variant is not present in population databases (gnomAD no frequency). This variant has not been reported in the literature in individuals affected with MAGEL2-related conditions. ClinVar contains an entry for this variant (Variation ID: 1028139). Experimental studies and prediction algorithms are not available or were not evaluated, and the functional significance of this variant is currently unknown. In summary, the available evidence is currently insufficient to determine the role of this variant in disease. Therefore, it has been classified as a Variant of Uncertain Significance.

Baylor Genetics
Classification: Uncertain significance for Schaaf-Yang syndrome. Last evaluated: 2020-02-04. Review status: criteria provided, single submitter. Criteria: ACMG Guidelines, 2015. Collection method: clinical testing. Allele origin: unknown. Affected: yes.
Comment: This variant was determined to be of uncertain significance according to ACMG Guidelines, 2015 [PMID:25741868].

NM_019066.5(MAGEL2):c.1276G>A (p.Gly426Ser)

Gene: MAGEL2 (MAGE family member L2; minus strand). Cytogenetic location: 15q11.2.
Variant type: single nucleotide variant.
Coding change: c.1276G>A on transcript NM_019066.5 (MANE Select); coding-DNA position 1276, G replaced by A.
Protein change: p.Gly426Ser; replaces glycine 426 with serine.
Molecular consequence: missense variant.
Genome position (GRCh38, 1-based): chr15:23,646,467, C>T on the plus strand (G>A on the coding strand, the complement: MAGEL2 is on the minus strand). VCF-style: chr15-23646467-C-T. GRCh37 (hg19) VCF-style: chr15-23891614-C-T.
Other names: short protein forms G426S.
Identifiers: ClinVar variation 1028139 (VCV001028139.4), dbSNP rs1890407784, ClinGen allele CA391334672.